The following is an entry in ClinVar:

ClinVar aggregate classification (germline): Pathogenic (1 of 4 stars; one submission).

Allele frequency attached by ClinVar (database versions not stated): gnomAD exomes 0.00001.

Submission:

Labcorp Genetics (formerly Invitae), Labcorp
Classification: Pathogenic. Last evaluated: 2022-12-17. Review status: criteria provided, single submitter. Criteria: Invitae Variant Classification Sherloc (09022015). Collection method: clinical testing. Allele origin: germline.
Comment: ClinVar contains an entry for this variant (Variation ID: 1454230). For these reasons, this variant has been classified as Pathogenic. This sequence change creates a premature translational stop signal (p.Gly232Alafs*103) in the EPHB4 gene. It is expected to result in an absent or disrupted protein product. Loss-of-function variants in EPHB4 are known to be pathogenic (PMID: 28687708). This variant is present in population databases (no rsID available, gnomAD 0.001%). This variant has not been reported in the literature in individuals affected with EPHB4-related conditions.

Literature cited by the submitters: PubMed 28687708.

NM_004444.5(EPHB4):c.693del (p.Gly232fs)

Gene: EPHB4 (EPH receptor B4; minus strand). Cytogenetic location: 7q22.1.
Variant type: Deletion.
Coding change: c.693del on transcript NM_004444.5 (MANE Select); coding-DNA position 693, one base deleted (T; older notation c.693delT).
Protein change: p.Gly232fs; shifts the reading frame from glycine 232.
Molecular consequence: frameshift variant.
Genome position (GRCh38, 1-based): chr7:100,822,386, A deleted on the plus strand (T on the coding strand, the reverse complement: EPHB4 is on the minus strand). VCF-style (leftmost placement, unchanged base first): chr7-100822385-CA-C. GRCh37 (hg19) VCF-style: chr7-100420007-CA-C.
Other names: short protein forms G232fs.
Identifiers: ClinVar variation 1454230 (VCV001454230.7), dbSNP rs1562973480, ClinGen allele CA576715821.